The following is an entry in ClinVar:

NM_000350.3(ABCA4):c.4040G>A (p.Gly1347Glu)

Gene: ABCA4 (ATP binding cassette subfamily A member 4; minus strand). Cytogenetic location: 1p22.1.
Variant type: single nucleotide variant.
Coding change: c.4040G>A on transcript NM_000350.3 (MANE Select); coding-DNA position 4040, G replaced by A.
Protein change: p.Gly1347Glu; replaces glycine 1347 with glutamic acid.
Molecular consequence: missense variant.
Genome position (GRCh38, 1-based): chr1:94,031,866, C>T on the plus strand (G>A on the coding strand, the complement: ABCA4 is on the minus strand). VCF-style: chr1-94031866-C-T. GRCh37 (hg19) VCF-style: chr1-94497422-C-T.
Other names: c.3818G>A, p.Gly1273Glu (NM_001425324.1); short protein forms G1347E, G1273E.
Identifiers: ClinVar variation 2035923 (VCV002035923.2), dbSNP rs2523733226, ClinGen allele CA341287117.

ClinVar aggregate classification (germline): Uncertain significance (1 of 4 stars; one submission).

Submission:

Labcorp Genetics (formerly Invitae), Labcorp
Classification: Uncertain significance. Last evaluated: 2021-12-07. Review status: criteria provided, single submitter. Criteria: Invitae Variant Classification Sherloc (09022015). Collection method: clinical testing. Allele origin: germline.
Comment: This variant has not been reported in the literature in individuals affected with ABCA4-related conditions. In summary, the available evidence is currently insufficient to determine the role of this variant in disease. Therefore, it has been classified as a Variant of Uncertain Significance. Advanced modeling of protein sequence and biophysical properties (such as structural, functional, and spatial information, amino acid conservation, physicochemical variation, residue mobility, and thermodynamic stability) performed at Invitae indicates that this missense variant is expected to disrupt ABCA4 protein function. This variant is not present in population databases (gnomAD no frequency). This sequence change replaces glycine, which is neutral and non-polar, with glutamic acid, which is acidic and polar, at codon 1347 of the ABCA4 protein (p.Gly1347Glu).